The following is an entry in ClinVar:

NM_002887.4(RARS1):c.1346+161A>C

Gene: RARS1 (arginyl-tRNA synthetase 1; plus strand). Cytogenetic location: 5q34.
Variant type: single nucleotide variant.
Coding change: c.1346+161A>C on transcript NM_002887.4 (MANE Select); 161 bases into the intron after coding-DNA position 1346, A replaced by C.
Molecular consequence: intron variant.
Genome position (GRCh38, 1-based): chr5:168,506,992, A>C. VCF-style: chr5-168506992-A-C. GRCh37 (hg19) VCF-style: chr5-167933997-A-C.
Identifiers: ClinVar variation 672646 (VCV000672646.2), dbSNP rs74660183, ClinGen allele CA15389993.

ClinVar aggregate classification (germline): Likely benign. Review status: criteria provided, multiple submitters, no conflicts (2 of 4 stars). 2 submissions from 2 submitters: Likely benign (2). Last evaluated 2018-06-14.

Allele frequency attached by ClinVar (database versions not stated): 1000 Genomes Project 30x 0.02217; 1000 Genomes Project 0.02376; TOPMed 0.02761; gnomAD 0.02990 and 0.03071.
gnomAD v4.1: 4,687 of 152,298 alleles (3.1%); highest among the groups gnomAD compares: South Asian, 6.6%; 97 homozygotes.

Submissions (2):

GeneDx
Classification: Likely benign. Last evaluated: 2018-06-14. Review status: criteria provided, single submitter. Criteria: GeneDx Variant Classification (06012015). Collection method: clinical testing. Allele origin: germline. Affected: yes.
Comment: This variant is considered likely benign or benign based on one or more of the following criteria: it is a conservative change, it occurs at a poorly conserved position in the protein, it is predicted to be benign by multiple in silico algorithms, and/or has population frequency not consistent with disease.

Breakthrough Genomics
Classification: Likely benign. Review status: criteria provided, single submitter. Criteria: ACMG Guidelines, 2015. Collection method: not provided. Allele origin: germline. Inheritance: Autosomal recessive inheritance. Affected: yes.